The following is an entry in ClinVar:

NM_198129.4(LAMA3):c.5824del (p.Arg1942fs)

Gene: LAMA3 (laminin subunit alpha 3; plus strand). Cytogenetic location: 18q11.2.
Variant type: Deletion.
Coding change: c.5824del on transcript NM_198129.4 (MANE Select); coding-DNA position 5824, one base deleted (C; older notation c.5824delC).
Protein change: p.Arg1942fs; shifts the reading frame from arginine 1942.
Molecular consequence: frameshift variant.
Genome position (GRCh38, 1-based): chr18:23,899,053, C deleted; the last of 2 consecutive C bases (chr18:23,899,052-23,899,053); deleting either gives the same sequence. VCF-style (leftmost placement, unchanged base first): chr18-23899051-TC-T. GRCh37 (hg19) VCF-style: chr18-21479015-TC-T.
Other names: c.997del, p.Arg333fs (NM_000227.6, NM_001127718.4); c.5824del, p.Arg1942fs (NM_001127717.4); short protein forms R1942fs, R333fs.
Identifiers: ClinVar variation 5003848 (VCV005003848.1).

ClinVar aggregate classification (germline): Pathogenic (1 of 4 stars; one submission).

Conditions:
Junctional epidermolysis bullosa. Identifiers: Orphanet 305, MedGen C0079301, MONDO:0017612.

Submission:

Myriad Genetics, Inc.
Classification: Pathogenic for Junctional epidermolysis bullosa. Last evaluated: 2025-11-17. Review status: criteria provided, single submitter. Criteria: Myriad Autosomal Dominant, Autosomal Recessive and X-Linked Classification Criteria (2023). Collection method: clinical testing. Allele origin: unknown.
Comment: NM_000227.3(LAMA3):c.997delC(R333Gfs*7) is a frameshift variant classified as pathogenic in the context of junctional epidermolysis bullosa, LAMA3-related. R333Gfs*7 has not been observed in cases with relevant disease. Relevant functional assessments of this variant are not available in the literature. R333Gfs*7 has not been observed in referenced population frequency databases. In summary, NM_000227.3(LAMA3):c.997delC(R333Gfs*7) is a frameshift variant in a gene where loss of function is a known mechanism of disease and is predicted to disrupt protein function. Please note: this variant was assessed in the context of healthy population screening.